The following is an entry in ClinVar:

ClinVar aggregate classification (germline): Likely benign. Review status: criteria provided, multiple submitters, no conflicts (2 of 4 stars). 3 submissions from 3 submitters: Likely benign (3). Last evaluated 2024-08-21.

Conditions:
Developmental and epileptic encephalopathy, 42 (DEE42A). Also called: EPILEPTIC ENCEPHALOPATHY, EARLY INFANTILE, 42A; Epileptic encephalopathy, early infantile, 42; DEVELOPMENTAL AND EPILEPTIC ENCEPHALOPATHY 42A. Identifiers: MedGen C4310716, MONDO:0014917, OMIM 617106.
Episodic ataxia type 2 (EA2). Also called: ATAXIA, EPISODIC, WITH NYSTAGMUS; ATAXIA, FAMILIAL PAROXYSMAL; CEREBELLAR ATAXIA, PAROXYSMAL, ACETAZOLAMIDE-RESPONSIVE; CEREBELLOPATHY, HEREDITARY PAROXYSMAL; EPISODIC ATAXIA, NYSTAGMUS-ASSOCIATED; ACETAZOLAMIDE-RESPONSIVE HEREDITARY PAROXYSMAL CEREBELLAR ATAXIA. Identifiers: Orphanet 97, MedGen C1720416, MONDO:0007163, OMIM 108500.

Allele frequency attached by ClinVar (database versions not stated): gnomAD exomes 0.00001; TOPMed 0.00001; ExAC 0.00002; gnomAD 0.00003.

Submissions (3):

Blueprint Genetics
Classification: Likely benign. Last evaluated: 2024-08-21. Review status: criteria provided, single submitter. Criteria: ACMG Guidelines, 2015. Collection method: clinical testing. Allele origin: germline.

CeGaT Center for Human Genetics Tuebingen
Classification: Likely benign. Last evaluated: 2023-11-01. Review status: criteria provided, single submitter. Criteria: CeGaT Center For Human Genetics Tuebingen Variant Classification Criteria Version 2. Collection method: clinical testing. Allele origin: germline. Affected: yes. Observed: 2 variant alleles.
Comment: CACNA1A: BP4, BP7

Labcorp Genetics (formerly Invitae), Labcorp
Classification: Likely benign for Developmental and epileptic encephalopathy, 42; Episodic ataxia type 2. Last evaluated: 2023-10-12. Review status: criteria provided, single submitter. Criteria: Invitae Variant Classification Sherloc (09022015). Collection method: clinical testing. Allele origin: germline.

NM_001127222.2(CACNA1A):c.4878C>T (p.Arg1626=)

Gene: CACNA1A (calcium voltage-gated channel subunit alpha1 A; minus strand). Cytogenetic location: 19p13.13.
Variant type: single nucleotide variant.
Coding change: c.4878C>T on transcript NM_001127222.2 (MANE Select); coding-DNA position 4878, C replaced by T.
Protein change: p.Arg1626=; no amino-acid change (arginine 1626 retained).
Molecular consequence: synonymous variant.
Genome position (GRCh38, 1-based): chr19:13,245,254, G>A on the plus strand (C>T on the coding strand, the complement: CACNA1A is on the minus strand). VCF-style: chr19-13245254-G-A. GRCh37 (hg19) VCF-style: chr19-13356068-G-A.
Other names: c.4890C>T, p.Arg1630= (NM_000068.4, NM_023035.3); c.4881C>T, p.Arg1627= (NM_001127221.2, NM_001174080.2).
Identifiers: ClinVar variation 2498760 (VCV002498760.32), dbSNP rs758272909, ClinGen allele CA9239905.
Genomic context (GRCh38, chr19:13,245,254, plus strand): 5'-CACGAGGATATCGGTGATGCTGCCCAGAACAGTCACAAAGTCGAAGATGTTCCAGGCATC[G>A]CGGAAATAATTCTAGAATGGGGACCCACAAGACAGAGATGCCAACAGAGGGCTTGGTTCC-3'
Protein context (NP_001120694.1, residues 1616-1636): VMAFGILNYF[Arg1626=]DAWNIFDFVT